The following is an entry in ClinVar:

ClinVar aggregate classification (germline): Uncertain significance (1 of 4 stars; one submission).

Conditions:
Hereditary cancer-predisposing syndrome. Also called: Neoplastic Syndromes, Hereditary; Tumor predisposition; Hereditary neoplastic syndrome; Hereditary Cancer Syndrome. Identifiers: Orphanet 140162, MedGen C0027672, MeSH D009386, MONDO:0015356.

Submission:

Ambry Genetics
Classification: Uncertain significance for Hereditary cancer-predisposing syndrome. Last evaluated: 2026-09-11. Review status: criteria provided, single submitter. Criteria: Ambry Variant Classification Scheme 2023. Collection method: clinical testing. Allele origin: germline.
Comment: The p.A1617S variant (also known as c.4849G>T), located in coding exon 36 of the TSC2 gene, results from a G to T substitution at nucleotide position 4849. The amino acid change results in alanine to serine at codon 1617, an amino acid with similar properties. However, this change occurs in the last base pair of coding exon 36, which makes it likely to have some effect on normal mRNA splicing. This nucleotide position is highly conserved in available vertebrate species. In silico splice site analysis predicts that this alteration may weaken the native splice donor site. This amino acid position is highly conserved in available vertebrate species. In addition, as a missense substitution, this alteration is predicted to be deleterious by in silico analysis. Based on the available evidence, the clinical significance of this variant remains unclear.

NM_000548.5(TSC2):c.4849G>T (p.Ala1617Ser)

Gene: TSC2 (TSC complex subunit 2; plus strand). Cytogenetic location: 16p13.3.
Variant type: single nucleotide variant.
Coding change: c.4849G>T on transcript NM_000548.5 (MANE Select); coding-DNA position 4849, G replaced by T.
Protein change: p.Ala1617Ser; replaces alanine 1617 with serine.
Molecular consequence: missense variant. On other transcripts: non-coding transcript variant (5).
Genome position (GRCh38, 1-based): chr16:2,086,379, G>T. VCF-style: chr16-2086379-G-T. GRCh37 (hg19) VCF-style: chr16-2136380-G-T.
Other names: c.4648G>T, p.Ala1550Ser (NM_001077183.3); c.4780G>T, p.Ala1594Ser (NM_001114382.3); c.4741G>T, p.Ala1581Ser (NM_001406667.1); c.4738G>T, p.Ala1580Ser (NM_001406668.1); c.4669G>T, p.Ala1557Ser (NM_001406670.1); c.4639G>T, p.Ala1547Ser (NM_001406671.1); c.4636G>T, p.Ala1546Ser (NM_001406673.1); c.4633G>T, p.Ala1545Ser (NM_001406675.1); and 26 more; short protein forms A1016S, A1125S, A1146S, A1351S, A1394S, A1546S, A1547S, A1550S.
Identifiers: ClinVar variation 5031403 (VCV005031403.1).